The following is an entry in ClinVar:

ClinVar aggregate classification (germline): Benign. Review status: criteria provided, single submitter (1 of 4 stars). 2 submissions from 2 submitters: Benign (1). 1 of the submissions does not count toward it. Last evaluated 2024-01-31.

Conditions:
Fetal akinesia deformation sequence 1 (FADS1). Also called: Fetal akinesia sequence; Pena-Shokeir syndrome type I. Identifiers: Orphanet 994, MedGen C1276035, MONDO:0100101, OMIM 208150, HP:0001989.
Congenital myasthenic syndrome 9. Also called: Myasthenic syndrome, congenital, 9, associated with acetylcholine receptor deficiency. Identifiers: Orphanet 590, MedGen C4225368, MONDO:0014587, OMIM 616325.
MUSK-related disorder. Also called: MUSK-related disorders; MUSK-related condition.

Allele frequency attached by ClinVar (database versions not stated): gnomAD 0.00004; gnomAD exomes 0.00004 and 0.00015; TOPMed 0.00006; ExAC 0.00015.
gnomAD v4.1: 66 of 1,613,804 alleles (0.0041%); highest among the groups gnomAD compares: East Asian, 0.08%; no homozygotes.

Submissions (2):

Labcorp Genetics (formerly Invitae), Labcorp
Classification: Benign for Congenital myasthenic syndrome 9; Fetal akinesia deformation sequence 1. Last evaluated: 2024-01-31. Review status: criteria provided, single submitter. Criteria: Invitae Variant Classification Sherloc (09022015). Collection method: clinical testing. Allele origin: germline.

PreventionGenetics, part of Exact Sciences
Classification: Likely benign for MUSK-related condition. Last evaluated: 2019-08-08. Review status: no assertion criteria provided. Collection method: clinical testing. Allele origin: germline. Not counted in ClinVar's aggregate classification.
Comment: This variant is classified as likely benign based on ACMG/AMP sequence variant interpretation guidelines (Richards et al. 2015 PMID: 25741868, with internal and published modifications).

NM_005592.4(MUSK):c.2283C>T (p.Asn761=)

Gene: MUSK (muscle associated receptor tyrosine kinase; plus strand). Cytogenetic location: 9q31.3.
Variant type: single nucleotide variant.
Coding change: c.2283C>T on transcript NM_005592.4 (MANE Select); coding-DNA position 2283, C replaced by T.
Protein change: p.Asn761=; no amino-acid change (asparagine 761 retained).
Molecular consequence: synonymous variant.
Genome position (GRCh38, 1-based): chr9:110,800,661, C>T. VCF-style: chr9-110800661-C-T. GRCh37 (hg19) VCF-style: chr9-113562941-C-T.
Other names: c.2283C>T (NM_005592.3); c.2025C>T, p.Asn675= (NM_001166280.2); c.1995C>T, p.Asn665= (NM_001166281.2); c.1023C>T, p.Asn341= (NM_001369398.1).
Identifiers: ClinVar variation 1169998 (VCV001169998.14), dbSNP rs777419932, ClinGen allele CA5184598.